The following is an entry in ClinVar:

ClinVar aggregate classification (germline): Uncertain significance (1 of 4 stars; one submission).

Allele frequency attached by ClinVar (database versions not stated): gnomAD exomes below 0.00001; TOPMed below 0.00001; ExAC 0.00001.
gnomAD v4.1: 5 of 1,613,940 alleles (0.00031%); highest among the groups gnomAD compares: Non-Finnish European, 0.00025%; no homozygotes.

Submission:

Labcorp Genetics (formerly Invitae), Labcorp
Classification: Uncertain significance. Last evaluated: 2025-03-04. Review status: criteria provided, single submitter. Criteria: Invitae Variant Classification Sherloc (09022015). Collection method: clinical testing. Allele origin: germline.
Comment: This sequence change replaces isoleucine, which is neutral and non-polar, with valine, which is neutral and non-polar, at codon 974 of the KIAA1549 protein (p.Ile974Val). This variant is present in population databases (rs778499446, gnomAD 0.0009%). This variant has not been reported in the literature in individuals affected with KIAA1549-related conditions. ClinVar contains an entry for this variant (Variation ID: 1022010). An algorithm developed to predict the effect of missense changes on protein structure and function (PolyPhen-2) suggests that this variant is likely to be tolerated. In summary, the available evidence is currently insufficient to determine the role of this variant in disease. Therefore, it has been classified as a Variant of Uncertain Significance.

NM_001164665.2(KIAA1549):c.2920A>G (p.Ile974Val)

Gene: KIAA1549 (KIAA1549; minus strand). Cytogenetic location: 7q34.
Variant type: single nucleotide variant.
Coding change: c.2920A>G on transcript NM_001164665.2 (MANE Select); coding-DNA position 2920, A replaced by G.
Protein change: p.Ile974Val; replaces isoleucine 974 with valine.
Molecular consequence: missense variant.
Genome position (GRCh38, 1-based): chr7:138,912,419, T>C on the plus strand (A>G on the coding strand, the complement: KIAA1549 is on the minus strand). VCF-style: chr7-138912419-T-C. GRCh37 (hg19) VCF-style: chr7-138597165-T-C.
Other names: c.2920A>G, p.Ile974Val (NM_020910.3); short protein forms I974V.
Identifiers: ClinVar variation 1022010 (VCV001022010.6), dbSNP rs778499446, ClinGen allele CA4506364.
Genomic context (GRCh38, chr7:138,912,419, plus strand): 5'-CACCAGGACTCACCTTCAGTTCCACTGCACGGTTGAAGTGAATCCTCAGTACTTCTTTGA[T>C]TGCTGTAATGATGTACTCCTGCACAGCTCTTCTGGCCAGCACTGCAAATGAAAGCAAACC-3'
Protein context (NP_001158137.1, residues 964-984): RAVQEYIITA[Ile974Val]KEVLRIHFNR